The following is an entry in ClinVar:

NM_033004.4(NLRP1):c.415C>T (p.Gln139Ter)

Gene: NLRP1 (NLR family pyrin domain containing 1; minus strand). Cytogenetic location: 17p13.2.
Variant type: single nucleotide variant.
Coding change: c.415C>T on transcript NM_033004.4 (MANE Select); coding-DNA position 415, C replaced by T.
Protein change: p.Gln139Ter; replaces glutamine 139 with a stop codon.
Molecular consequence: nonsense.
Genome position (GRCh38, 1-based): chr17:5,582,703, G>A on the plus strand (C>T on the coding strand, the complement: NLRP1 is on the minus strand). VCF-style: chr17-5582703-G-A. GRCh37 (hg19) VCF-style: chr17-5486023-G-A.
Other names: c.415C>T, p.Gln139Ter (NM_001033053.3, NM_014922.5, NM_033006.4 and 1 more transcripts); short protein forms Q139*.
Identifiers: ClinVar variation 4717345 (VCV004717345.1).
Genomic context (GRCh38, chr17:5,582,703, plus strand): 5'-CTGTCAGCCTGCCTCAGCAAGCCTCACCTCTCCAGCGGCGTCCAGATGTGTCAGGCAGCT[G>A]TCTCAAAACCCTTCTCTCTGAGCCCTGGGTGCACCCCGCCGGCAATTCATGGATCCAGGG-3'

ClinVar aggregate classification (germline): Uncertain significance (1 of 4 stars; one submission).

gnomAD v4.1: 1 of 1,614,142 alleles (0.000062%); highest among the groups gnomAD compares: Non-Finnish European, 0.000085%; no homozygotes.

Submission:

Labcorp Genetics (formerly Invitae), Labcorp
Classification: Uncertain significance. Last evaluated: 2025-04-11. Review status: criteria provided, single submitter. Criteria: Invitae Variant Classification Sherloc (09022015). Collection method: clinical testing. Allele origin: germline.
Comment: This sequence change creates a premature translational stop signal (p.Gln139*) in the NLRP1 gene. It is expected to result in an absent or disrupted protein product. However, the current clinical and genetic evidence is not sufficient to establish whether loss-of-function variants in NLRP1 cause disease. This variant is not present in population databases (gnomAD no frequency). This variant has not been reported in the literature in individuals affected with NLRP1-related conditions. Algorithms developed to predict the effect of sequence changes on RNA splicing suggest that this variant may disrupt the consensus splice site. In summary, the available evidence is currently insufficient to determine the role of this variant in disease. Therefore, it has been classified as a Variant of Uncertain Significance.